The following is an entry in ClinVar:

NM_012062.5(DNM1L):c.742A>T (p.Ser248Cys)

Gene: DNM1L (dynamin 1 like; plus strand). Cytogenetic location: 12p11.21.
Variant type: single nucleotide variant.
Coding change: c.742A>T on transcript NM_012062.5 (MANE Select); coding-DNA position 742, A replaced by T.
Protein change: p.Ser248Cys; replaces serine 248 with cysteine.
Molecular consequence: missense variant.
Genome position (GRCh38, 1-based): chr12:32,720,665, A>T. VCF-style: chr12-32720665-A-T. GRCh37 (hg19) VCF-style: chr12-32873599-A-T.
Other names: c.742A>T, p.Ser248Cys (NM_001278463.2, NM_005690.5, NM_012063.4); c.781A>T, p.Ser261Cys (NM_001278464.2, NM_001278465.2, NM_001330380.2); c.133A>T, p.Ser45Cys (NM_001278466.2); short protein forms S248C, S261C, S45C.
Identifiers: ClinVar variation 3373156 (VCV003373156.1).
Genomic context (GRCh38, chr12:32,720,665, plus strand): 5'-CTAAGGTAGGAAGAGGACAACAGTTAAGCTGAATAGTTTCGTTATTTTTTCAACCTCAGG[A>T]GCCAGCTAGATATTAACAACAAGAAGAGTGTAACTGATTCAATCCGTGATGAGTATGCTT-3'
Protein context (NP_036192.2, residues 238-258): KLGIIGVVNR[Ser248Cys]QLDINNKKSV

ClinVar aggregate classification (germline): Uncertain significance (1 of 4 stars; one submission).

gnomAD v4.1: 1 of 1,613,880 alleles (0.000062%); highest among the groups gnomAD compares: African/African-American, 0.0013%; no homozygotes.

Submission:

GeneDx
Classification: Uncertain significance. Last evaluated: 2024-04-25. Review status: criteria provided, single submitter. Criteria: GeneDx Variant Classification Process June 2021. Collection method: clinical testing. Allele origin: germline. Affected: yes.
Comment: Not observed at significant frequency in large population cohorts (gnomAD); In silico analysis supports that this missense variant has a deleterious effect on protein structure/function; Has not been previously published as pathogenic or benign to our knowledge